The following is an entry in ClinVar:

NM_006565.4(CTCF):c.916G>A (p.Val306Ile)

Gene: CTCF (CCCTC-binding factor; plus strand). Cytogenetic location: 16q22.1.
Variant type: single nucleotide variant.
Coding change: c.916G>A on transcript NM_006565.4 (MANE Select); coding-DNA position 916, G replaced by A.
Protein change: p.Val306Ile; replaces valine 306 with isoleucine.
Molecular consequence: missense variant. On other transcripts: intron variant (1).
Genome position (GRCh38, 1-based): chr16:67,612,085, G>A. VCF-style: chr16-67612085-G-A. GRCh37 (hg19) VCF-style: chr16-67645988-G-A.
Other names: c.916G>A, p.Val306Ile (NM_001363916.2); c.-32-4660G>A (NM_001191022.2); short protein forms V306I.
Identifiers: ClinVar variation 3901733 (VCV003901733.1).

ClinVar aggregate classification (germline): Uncertain significance (1 of 4 stars; one submission).

Submission:

GeneDx
Classification: Uncertain significance. Last evaluated: 2024-12-07. Review status: criteria provided, single submitter. Criteria: GeneDx Variant Classification Process June 2021. Collection method: clinical testing. Allele origin: germline. Affected: yes.
Comment: Not observed at significant frequency in large population cohorts (gnomAD); In silico analysis indicates that this missense variant does not alter protein structure/function; Has not been previously published as pathogenic or benign to our knowledge